The following is an entry in ClinVar:

ClinVar aggregate classification (germline): Pathogenic. Review status: criteria provided, multiple submitters, no conflicts (2 of 4 stars). 2 submissions from 2 submitters: Pathogenic (2). Last evaluated 2025-12-03.

Conditions:
Deficiency of acetyl-CoA acetyltransferase. Also called: Beta-ketothiolase deficiency; 3-KETOTHIOLASE DEFICIENCY; 3-OXOTHIOLASE DEFICIENCY; MITOCHONDRIAL ACETOACETYL-CoA THIOLASE DEFICIENCY. Identifiers: Orphanet 134, MedGen C1536500, MONDO:0008760, OMIM 203750. Disease mechanism: loss of function.

Submissions (2):

Myriad Genetics, Inc.
Classification: Pathogenic for Deficiency of acetyl-CoA acetyltransferase. Last evaluated: 2025-12-03. Review status: criteria provided, single submitter. Criteria: Myriad Autosomal Dominant, Autosomal Recessive and X-Linked Classification Criteria (2023). Collection method: clinical testing. Allele origin: unknown.
Comment: NM_000019.3(ACAT1):c.334+1G>A is a variant in a canonical splice site classified as pathogenic in the context of beta-ketothiolase deficiency. c.334+1G>A has been observed in a case with relevant disease (PMID: 28689740). Relevant functional assessments of this variant are not available in the literature. Internal structural analysis of the variant is supportive of pathogenicity. c.334+1G>A has not been observed in referenced population frequency databases. In summary, NM_000019.3(ACAT1):c.334+1G>A is a variant in a canonical splice site that has internal structural support for pathogenicity and has been observed more frequently in cases with the relevant disease than in healthy populations. Please note: this variant was assessed in the context of healthy population screening.

Department of Pediatrics, Gifu University
Classification: Pathogenic for Deficiency of acetyl-CoA acetyltransferase. Last evaluated: 2019-05-05. Review status: criteria provided, single submitter. Criteria: ACMG Guidelines, 2015. Collection method: research. Allele origin: germline. Affected: yes. Observed: 1 variant allele.

Literature cited by the submitters: PubMed 28689740 (cited by Myriad Genetics, Inc.); PubMed 31268215 (cited by Department of Pediatrics, Gifu University).

NM_000019.4(ACAT1):c.334+1G>A

Gene: ACAT1 (acetyl-CoA acetyltransferase 1; plus strand). Cytogenetic location: 11q22.3.
Variant type: single nucleotide variant.
Coding change: c.334+1G>A on transcript NM_000019.4 (MANE Select); the canonical splice donor site of the intron after coding-DNA position 334, G replaced by A.
Molecular consequence: splice donor variant. On other transcripts: intron variant (2).
Genome position (GRCh38, 1-based): chr11:108,134,317, G>A. VCF-style: chr11-108134317-G-A. GRCh37 (hg19) VCF-style: chr11-108005044-G-A.
Other names: c.64+1G>A (NM_001386682.1, NM_001386681.1, NM_001386685.1 and 6 more transcripts); c.334+1G>A (NM_001386677.1); c.37+21G>A (NM_001386679.1); c.120+2363G>A (NM_001386678.1).
Identifiers: ClinVar variation 666474 (VCV000666474.2), dbSNP rs1591362533, ClinGen allele CA382506668.